The following is an entry in ClinVar:

ClinVar aggregate classification (germline): Conflicting classifications of pathogenicity. Review status: criteria provided, conflicting classifications (1 of 4 stars). 3 submissions from 3 submitters: Uncertain significance (1); Benign (1). 1 of the submissions does not count toward it. Last evaluated 2025-02-10.

Conditions:
ASPM-related disorder. Also called: ASPM-related condition.

Allele frequency attached by ClinVar (database versions not stated): gnomAD 0.00002; gnomAD exomes 0.00006 and 0.00033; TOPMed 0.00012; ExAC 0.00045.
gnomAD v4.1: 95 of 1,613,398 alleles (0.0059%); highest among the groups gnomAD compares: Admixed American, 0.14%; 1 homozygote.

Submissions (3):

Labcorp Genetics (formerly Invitae), Labcorp
Classification: Benign. Last evaluated: 2025-02-10. Review status: criteria provided, single submitter. Criteria: Invitae Variant Classification Sherloc (09022015). Collection method: clinical testing. Allele origin: germline.

Eurofins Ntd Llc (ga)
Classification: Uncertain significance. Last evaluated: 2015-07-13. Review status: criteria provided, single submitter. Criteria: EGL Classification Definitions 2015. Collection method: clinical testing. Allele origin: germline. Observed: 1 variant allele, 1 heterozygote.

PreventionGenetics, part of Exact Sciences
Classification: Likely benign for ASPM-related condition. Last evaluated: 2019-04-30. Review status: no assertion criteria provided. Collection method: clinical testing. Allele origin: germline. Not counted in ClinVar's aggregate classification.
Comment: This variant is classified as likely benign based on ACMG/AMP sequence variant interpretation guidelines (Richards et al. 2015 PMID: 25741868, with internal and published modifications).

NM_018136.5(ASPM):c.2205G>A (p.Glu735=)

Gene: ASPM (assembly factor for spindle microtubules; minus strand). Cytogenetic location: 1q31.3.
Variant type: single nucleotide variant.
Coding change: c.2205G>A on transcript NM_018136.5 (MANE Select); coding-DNA position 2205, G replaced by A.
Protein change: p.Glu735=; no amino-acid change (glutamic acid 735 retained).
Molecular consequence: synonymous variant.
Genome position (GRCh38, 1-based): chr1:197,133,564, C>T on the plus strand (G>A on the coding strand, the complement: ASPM is on the minus strand). VCF-style: chr1-197133564-C-T. GRCh37 (hg19) VCF-style: chr1-197102694-C-T.
Other names: c.2205G>A, p.Glu735= (NM_001206846.2); c.2205G>A (NM_018136.4).
Identifiers: ClinVar variation 281892 (VCV000281892.14), dbSNP rs755350285, ClinGen allele CA1310517.